The following is an entry in ClinVar:

ClinVar aggregate classification (germline): Uncertain significance (1 of 4 stars; one submission).

gnomAD v4.1: 28 of 1,599,988 alleles (0.0018%); highest among the groups gnomAD compares: South Asian, 0.029%; 1 homozygote.

Submission:

Labcorp Genetics (formerly Invitae), Labcorp
Classification: Uncertain significance. Last evaluated: 2024-08-12. Review status: criteria provided, single submitter. Criteria: Invitae Variant Classification Sherloc (09022015). Collection method: clinical testing. Allele origin: germline.
Comment: This sequence change replaces serine, which is neutral and polar, with tryptophan, which is neutral and slightly polar, at codon 141 of the NAF1 protein (p.Ser141Trp). This variant is present in population databases (rs200588702, gnomAD 0.04%). This variant has not been reported in the literature in individuals affected with NAF1-related conditions. An algorithm developed to predict the effect of missense changes on protein structure and function (PolyPhen-2) suggests that this variant is likely to be disruptive. In summary, the available evidence is currently insufficient to determine the role of this variant in disease. Therefore, it has been classified as a Variant of Uncertain Significance.

NM_138386.3(NAF1):c.422C>G (p.Ser141Trp)

Gene: NAF1 (nuclear assembly factor 1 ribonucleoprotein; minus strand). Cytogenetic location: 4q32.2.
Variant type: single nucleotide variant.
Coding change: c.422C>G on transcript NM_138386.3 (MANE Select); coding-DNA position 422, C replaced by G.
Protein change: p.Ser141Trp; replaces serine 141 with tryptophan.
Molecular consequence: missense variant.
Genome position (GRCh38, 1-based): chr4:163,164,335, G>C on the plus strand (C>G on the coding strand, the complement: NAF1 is on the minus strand). VCF-style: chr4-163164335-G-C. GRCh37 (hg19) VCF-style: chr4-164085487-G-C.
Other names: c.422C>G, p.Ser141Trp (NM_001128931.2); short protein forms S141W.
Identifiers: ClinVar variation 3666398 (VCV003666398.2).